The following is an entry in ClinVar:

NM_004247.4(EFTUD2):c.1655_1656insG (p.Ile552fs)

Gene: EFTUD2 (elongation factor Tu GTP binding domain containing 2; minus strand). Cytogenetic location: 17q21.31.
Variant type: Insertion.
Coding change: c.1655_1656insG on transcript NM_004247.4 (MANE Select); coding-DNA positions 1655 to 1656, G inserted.
Protein change: p.Ile552fs; shifts the reading frame from isoleucine 552.
Molecular consequence: frameshift variant.
Genome position: GRCh38 VCF-style: chr17-44860495-A-AC. GRCh37 (hg19) VCF-style: chr17-42937863-A-AC.
Other names: c.1550_1551insG, p.Ile517fs (NM_001142605.2); c.1655_1656insG, p.Ile552fs (NM_001258353.2); c.1625_1626insG, p.Ile542fs (NM_001258354.2); short protein forms I517fs, I542fs, I552fs.
Identifiers: ClinVar variation 4850695 (VCV004850695.1).
Genomic context (GRCh38, chr17:44,860,495, plus strand): 5'-CTCATTGCCTCGGGGTTCGGTTATGGTTGCTGTCTTCACAATTGGTTGATCAACACCTTC[A>AC]ATCAGAACCCAGTTGCCAGCAGGAACACGGTTCACCTCGATGTGGTACCTGAAGCAATGT-3'

ClinVar aggregate classification (germline): Pathogenic (1 of 4 stars; one submission).

Conditions:
Mandibulofacial dysostosis-microcephaly syndrome (MFDGA). Also called: Growth and mental retardation, mandibulofacial dysostosis, microcephaly, and cleft palate; Mandibulofacial dysostosis, Guion-Almeida type. Identifiers: Orphanet 79113, MedGen C1864652, MONDO:0012516, OMIM 610536.

Submission:

Variantyx, Inc.
Classification: Pathogenic for Mandibulofacial dysostosis-microcephaly syndrome. Last evaluated: 2025-10-24. Review status: criteria provided, single submitter. Criteria: Variantyx Assertion Criteria 2022. Collection method: clinical testing. Allele origin: de novo. Inheritance: Autosomal dominant inheritance. Affected: yes.
Comment: This is a frameshift variant in the EFTUD2 gene (OMIM: 603892). Pathogenic variants in this gene have been associated with autosomal dominant mandibulofacial dysostosis with microcephaly. This variant introduces a premature termination codon in exon 17 out of 28 and is expected to result in loss of function, which is a known disease mechanism for EFTUD2 in this disorder (PMID: 23188108, 22305528) (PVS1). This variant is absent from control populations (PM2). Based on the current evidence, this variant is classified as pathogenic for autosomal dominant mandibulofacial dysostosis with microcephaly.

Literature cited by the submitters: PubMed 23188108; PubMed 22305528.